The following is an entry in ClinVar:

ClinVar aggregate classification (germline): Uncertain significance. Review status: criteria provided, multiple submitters, no conflicts (2 of 4 stars). 3 submissions from 3 submitters: Uncertain significance (3). Last evaluated 2026-01-07.

Conditions:
Bethlem myopathy 1A. Also called: MYOPATHY, BENIGN CONGENITAL, WITH CONTRACTURES; Bethlem Muscular Dystrophy; Bethlem myopathy 1. Identifiers: Orphanet 610, MedGen CN029274, MONDO:0024530, OMIM 158810.
COL6A3-related disorder. Also called: COL6A3-related disorders; COL6A3-related condition.

Allele frequency attached by ClinVar (database versions not stated): gnomAD 0.00001; gnomAD exomes 0.00001; TOPMed 0.00001.
gnomAD v4.1: 6 of 1,613,674 alleles (0.00037%); highest among the groups gnomAD compares: Admixed American, 0.0067%; no homozygotes.

Submissions (3):

Labcorp Genetics (formerly Invitae), Labcorp
Classification: Uncertain significance for Bethlem myopathy 1A. Last evaluated: 2026-01-07. Review status: criteria provided, single submitter. Criteria: Invitae Variant Classification Sherloc (09022015). Collection method: clinical testing. Allele origin: germline.
Comment: This sequence change replaces alanine, which is neutral and non-polar, with glycine, which is neutral and non-polar, at codon 878 of the COL6A3 protein (p.Ala878Gly). This variant is present in population databases (no rsID available, gnomAD 0.006%). This variant has not been reported in the literature in individuals affected with COL6A3-related conditions. ClinVar contains an entry for this variant (Variation ID: 1417837). Invitae Evidence Modeling of protein sequence and biophysical properties (such as structural, functional, and spatial information, amino acid conservation, physicochemical variation, residue mobility, and thermodynamic stability) indicates that this missense variant is not expected to disrupt COL6A3 protein function with a negative predictive value of 80%. In summary, the available evidence is currently insufficient to determine the role of this variant in disease. Therefore, it has been classified as a Variant of Uncertain Significance.

Revvity Omics, Revvity
Classification: Uncertain significance. Last evaluated: 2023-08-02. Review status: criteria provided, single submitter. Criteria: ACMG Guidelines, 2015. Collection method: clinical testing. Allele origin: germline.

PreventionGenetics, part of Exact Sciences
Classification: Uncertain significance for COL6A3-related condition. Last evaluated: 2023-05-22. Review status: criteria provided, single submitter. Criteria: ACMG Guidelines, 2015. Collection method: clinical testing. Allele origin: germline.
Comment: The COL6A3 c.2633C>G variant is predicted to result in the amino acid substitution p.Ala878Gly. To our knowledge, this variant has not been reported in the literature. This variant is reported in 0.0029% of alleles in individuals of Latino descent in gnomAD. At this time, the clinical significance of this variant is uncertain due to the absence of conclusive functional and genetic evidence.

NM_004369.4(COL6A3):c.2633C>G (p.Ala878Gly)

Gene: COL6A3 (collagen type VI alpha 3 chain; minus strand). Cytogenetic location: 2q37.3.
Variant type: single nucleotide variant.
Coding change: c.2633C>G on transcript NM_004369.4 (MANE Select); coding-DNA position 2633, C replaced by G.
Protein change: p.Ala878Gly; replaces alanine 878 with glycine.
Molecular consequence: missense variant.
Genome position (GRCh38, 1-based): chr2:237,377,209, G>C on the plus strand (C>G on the coding strand, the complement: COL6A3 is on the minus strand). VCF-style: chr2-237377209-G-C. GRCh37 (hg19) VCF-style: chr2-238285852-G-C.
Other names: c.2633C>G (NM_004369.3); c.1412C>G, p.Ala471Gly (NM_057164.5); c.2015C>G, p.Ala672Gly (NM_057165.5, NM_057167.4); c.812C>G, p.Ala271Gly (NM_057166.5); short protein forms A471G, A672G, A271G, A878G.
Identifiers: ClinVar variation 1417837 (VCV001417837.11), dbSNP rs1326943912, ClinGen allele CA351211092.